The following is an entry in ClinVar:

NM_000091.5(COL4A3):c.2547dup (p.Gly850fs)

Genes: COL4A3 (collagen type IV alpha 3 chain; plus strand), MFF-DT (MFF divergent transcript; minus strand). Cytogenetic location: 2q36.3.
Variant type: Duplication.
Coding change: c.2547dup on transcript NM_000091.5 (MANE Select); coding-DNA position 2547, one base duplicated (A; older notation c.2547dupA).
Protein change: p.Gly850fs; shifts the reading frame from glycine 850.
Molecular consequence: frameshift variant.
Genome position (GRCh38, 1-based): chr2:227,282,423, A duplicated. VCF-style (leftmost placement, unchanged base first): chr2-227282422-C-CA. GRCh37 (hg19) VCF-style: chr2-228147138-C-CA.
Other names: short protein forms G850fs.
Identifiers: ClinVar variation 5011949 (VCV005011949.1).

ClinVar aggregate classification (germline): Pathogenic (1 of 4 stars; one submission).

Conditions:
Alport syndrome. Also called: Hemorrhagic familial nephritis; Hemorrhagic hereditary nephritis; Congenital hereditary hematuria. Identifiers: Orphanet 63, MedGen C1567741, MONDO:0018965.

Submission:

Myriad Genetics, Inc.
Classification: Pathogenic for Alport syndrome. Last evaluated: 2023-09-27. Review status: criteria provided, single submitter. Criteria: Myriad Autosomal Dominant, Autosomal Recessive and X-Linked Classification Criteria (2023). Collection method: clinical testing. Allele origin: unknown.
Comment: NM_000091.4(COL4A3):c.2547dupA(G850Rfs*17) is expected to be pathogenic in the context of Alport syndrome, COL4A3-related. This variant is predicted to lead to an abnormal or absent protein product due to the creation of a premature termination codon in COL4A3, a gene where loss-of-function variants are known to be pathogenic. Please note: this variant was assessed in the context of healthy population screening.